The following is an entry in ClinVar:

ClinVar aggregate classification (germline): Conflicting classifications of pathogenicity. Review status: criteria provided, conflicting classifications (1 of 4 stars). 2 submissions from 2 submitters: Likely pathogenic (1); Uncertain significance (1). Last evaluated 2023-05-30.

Conditions:
Marfan syndrome (MFS). Also called: MARFAN SYNDROME, TYPE I; FBN1-Related Marfan Syndrome; Marfan syndrome, classic; Marfan syndrome type 1; Marfan's syndrome. Identifiers: Orphanet 284963, Orphanet 558, MedGen C0024796, MONDO:0007947, OMIM 154700.
Familial thoracic aortic aneurysm and aortic dissection (TAAD). Also called: Thoracic aortic aneurysms and dissections. Identifiers: Orphanet 91387, MedGen C4707243, MONDO:0019625.

Allele frequency attached by ClinVar (database versions not stated): gnomAD exomes below 0.00001.
gnomAD v4.1: 1 of 1,614,242 alleles (0.000062%); highest among the groups gnomAD compares: Non-Finnish European, 0.000085%; no homozygotes.

Submissions (2):

Labcorp Genetics (formerly Invitae), Labcorp
Classification: Likely pathogenic for Marfan syndrome; Familial thoracic aortic aneurysm and aortic dissection. Last evaluated: 2023-05-30. Review status: criteria provided, single submitter. Criteria: Invitae Variant Classification Sherloc (09022015). Collection method: clinical testing. Allele origin: germline.
Comment: This sequence change replaces leucine, which is neutral and non-polar, with glutamine, which is neutral and polar, at codon 2626 of the FBN1 protein (p.Leu2626Gln). This variant is not present in population databases (gnomAD no frequency). This missense change has been observed in individuals with Marfan syndrome (Invitae). ClinVar contains an entry for this variant (Variation ID: 200200). Advanced modeling of protein sequence and biophysical properties (such as structural, functional, and spatial information, amino acid conservation, physicochemical variation, residue mobility, and thermodynamic stability) performed at Invitae indicates that this missense variant is expected to disrupt FBN1 protein function. In summary, the currently available evidence indicates that the variant is pathogenic, but additional data are needed to prove that conclusively. Therefore, this variant has been classified as Likely Pathogenic.

GeneDx
Classification: Uncertain significance. Last evaluated: 2018-11-01. Review status: criteria provided, single submitter. Criteria: GeneDx Variant Classification (06012015). Collection method: clinical testing. Allele origin: germline. Affected: yes.
Comment: A variant of uncertain significance was identified in the FBN1 gene. It has not been published as a pathogenic variant,nor has it been reported as a benign variant to our knowledge. The L2626Q variant was not observed inapproximately 6,500 individuals of European and African American ancestry in the NHLBI Exome SequencingProject, indicating it is not a common benign variant in these populations. The L2626Q variant is a non-conservativeamino acid substitution, which is likely to impact secondary protein structure as these residues differ in polarity,charge, size and/or other properties. This substitution occurs at a position that is conserved across species, and insilico analysis predicts this variant is probably damaging to the protein structure/function. Missense variants innearby residues (N2624S, N2624T, N2624K, G2627R, Y2629C) have been reported in the Human Gene MutationDatabase in association with Marfan syndrome (Stenson et al., 2014). Nevertheless, the L2626Q variant does notaffect a Cysteine residue within a calcium-binding EGF-like domain of the FBN1 gene. Cysteine substitutions in thecalcium-binding EGF-like domains represent the majority of pathogenic missense changes associated with Marfansyndrome (Collod-Beroud et al., 2003).

NM_000138.5(FBN1):c.7877T>A (p.Leu2626Gln)

Gene: FBN1 (fibrillin 1; minus strand). Cytogenetic location: 15q21.1.
Variant type: single nucleotide variant.
Coding change: c.7877T>A on transcript NM_000138.5 (MANE Select); coding-DNA position 7877, T replaced by A.
Protein change: p.Leu2626Gln; replaces leucine 2626 with glutamine.
Molecular consequence: missense variant.
Genome position (GRCh38, 1-based): chr15:48,415,710, A>T on the plus strand (T>A on the coding strand, the complement: FBN1 is on the minus strand). VCF-style: chr15-48415710-A-T. GRCh37 (hg19) VCF-style: chr15-48707907-A-T.
Other names: short protein forms L2626Q.
Identifiers: ClinVar variation 200200 (VCV000200200.9), dbSNP rs794728338, ClinGen allele CA017429.